The following is an entry in ClinVar:

NM_001005361.3(DNM2):c.1048C>G (p.Gln350Glu)

Gene: DNM2 (dynamin 2; plus strand). Cytogenetic location: 19p13.2.
Variant type: single nucleotide variant.
Coding change: c.1048C>G on transcript NM_001005361.3 (MANE Select); coding-DNA position 1048, C replaced by G.
Protein change: p.Gln350Glu; replaces glutamine 350 with glutamic acid.
Molecular consequence: missense variant.
Genome position (GRCh38, 1-based): chr19:10,793,775, C>G. VCF-style: chr19-10793775-C-G. GRCh37 (hg19) VCF-style: chr19-10904451-C-G.
Other names: c.1048C>G, p.Gln350Glu (NM_001005360.3, NM_001005362.3, NM_001190716.2 and 1 more transcripts); short protein forms Q350E.
Identifiers: ClinVar variation 1447376 (VCV001447376.6), dbSNP rs2071834543, ClinGen allele CA404047928.

ClinVar aggregate classification (germline): Uncertain significance (1 of 4 stars; one submission).

Conditions:
Charcot-Marie-Tooth disease dominant intermediate B (CMTDIB). Also called: Charcot-Marie-Tooth disease dominant intermediate 1; CHARCOT-MARIE-TOOTH NEUROPATHY, DOMINANT INTERMEDIATE B; CMT DI1; Charcot-Marie-Tooth disease dominant intermediate I. Identifiers: Orphanet 100044, Orphanet 228179, MedGen C1847902, MONDO:0011674, OMIM 606482.

Allele frequency attached by ClinVar (database versions not stated): gnomAD exomes below 0.00001; TOPMed below 0.00001.
gnomAD v4.1: 1 of 1,614,118 alleles (0.000062%); highest among the groups gnomAD compares: Admixed American, 0.0017%; no homozygotes.

Submission:

Labcorp Genetics (formerly Invitae), Labcorp
Classification: Uncertain significance for Charcot-Marie-Tooth disease dominant intermediate B. Last evaluated: 2021-12-10. Review status: criteria provided, single submitter. Criteria: Invitae Variant Classification Sherloc (09022015). Collection method: clinical testing. Allele origin: germline.
Comment: In summary, the available evidence is currently insufficient to determine the role of this variant in disease. Therefore, it has been classified as a Variant of Uncertain Significance. Algorithms developed to predict the effect of missense changes on protein structure and function are either unavailable or do not agree on the potential impact of this missense change (SIFT: "Tolerated"; PolyPhen-2: "Possibly Damaging"; Align-GVGD: "Class C0"). This variant has not been reported in the literature in individuals affected with DNM2-related conditions. This variant is not present in population databases (gnomAD no frequency). This sequence change replaces glutamine, which is neutral and polar, with glutamic acid, which is acidic and polar, at codon 350 of the DNM2 protein (p.Gln350Glu).